The following is an entry in ClinVar:

ClinVar aggregate classification (germline): Uncertain significance (1 of 4 stars; one submission).

Submission:

Labcorp Genetics (formerly Invitae), Labcorp
Classification: Uncertain significance. Last evaluated: 2022-07-19. Review status: criteria provided, single submitter. Criteria: Invitae Variant Classification Sherloc (09022015). Collection method: clinical testing. Allele origin: germline.
Comment: ClinVar contains an entry for this variant (Variation ID: 950189). In summary, the available evidence is currently insufficient to determine the role of this variant in disease. Therefore, it has been classified as a Variant of Uncertain Significance. Algorithms developed to predict the effect of missense changes on protein structure and function are either unavailable or do not agree on the potential impact of this missense change (SIFT: "Not Available"; PolyPhen-2: "Benign"; Align-GVGD: "Not Available"). This variant has not been reported in the literature in individuals affected with ADAMTS18-related conditions. This variant is not present in population databases (gnomAD no frequency). This sequence change replaces leucine, which is neutral and non-polar, with phenylalanine, which is neutral and non-polar, at codon 1034 of the ADAMTS18 protein (p.Leu1034Phe).

NM_199355.4(ADAMTS18):c.3100C>T (p.Leu1034Phe)

Gene: ADAMTS18 (ADAM metallopeptidase with thrombospondin type 1 motif 18; minus strand). Cytogenetic location: 16q23.1.
Variant type: single nucleotide variant.
Coding change: c.3100C>T on transcript NM_199355.4 (MANE Select); coding-DNA position 3100, C replaced by T.
Protein change: p.Leu1034Phe; replaces leucine 1034 with phenylalanine.
Molecular consequence: missense variant.
Genome position (GRCh38, 1-based): chr16:77,293,165, G>A on the plus strand (C>T on the coding strand, the complement: ADAMTS18 is on the minus strand). VCF-style: chr16-77293165-G-A. GRCh37 (hg19) VCF-style: chr16-77327062-G-A.
Other names: c.2584C>T, p.Leu862Phe (NM_001326358.2); short protein forms L862F, L1034F.
Identifiers: ClinVar variation 950189 (VCV000950189.9), dbSNP rs2055399095, ClinGen allele CA396832795.